The following is an entry in ClinVar:

NM_006158.5(NEFL):c.796G>T (p.Glu266Ter)

Gene: NEFL (neurofilament light chain; minus strand). Cytogenetic location: 8p21.2.
Variant type: single nucleotide variant.
Coding change: c.796G>T on transcript NM_006158.5 (MANE Select); coding-DNA position 796, G replaced by T.
Protein change: p.Glu266Ter; replaces glutamic acid 266 with a stop codon.
Molecular consequence: nonsense.
Genome position (GRCh38, 1-based): chr8:24,955,720, C>A on the plus strand (G>T on the coding strand, the complement: NEFL is on the minus strand). VCF-style: chr8-24955720-C-A. GRCh37 (hg19) VCF-style: chr8-24813234-C-A.
Other names: short protein forms E266*.
Identifiers: ClinVar variation 4881414 (VCV004881414.2).

ClinVar aggregate classification (germline): Likely pathogenic (1 of 4 stars; one submission).

Submission:

Dasa
Classification: Likely pathogenic. Last evaluated: 2024-10-28. Review status: criteria provided, single submitter. Criteria: DASA Assertion Criteria. Collection method: clinical testing. Allele origin: germline.
Comment: NM_006158.5(NEFL):c.796G>T (p.Glu266*) is a nonsense variant in NEFL predicted to introduce a premature termination codon and is predicted to result in an absent or altered protein product. Loss of function is an established disease mechanism for NEFL-associated disorders. Also, this variant is rare in population databases. Based on the currently available evidence, this variant is classified as likely pathogenic.